The following is an entry in ClinVar:

NM_005045.4(RELN):c.8966T>C (p.Leu2989Ser)

Genes: RELN (reelin; minus strand), SLC26A5-AS1 (SLC26A5 antisense RNA 1; plus strand). Cytogenetic location: 7q22.1.
Variant type: single nucleotide variant.
Coding change: c.8966T>C on transcript NM_005045.4 (MANE Select); coding-DNA position 8966, T replaced by C.
Protein change: p.Leu2989Ser; replaces leucine 2989 with serine.
Molecular consequence: missense variant.
Genome position (GRCh38, 1-based): chr7:103,496,753, A>G on the plus strand (T>C on the coding strand, the complement: RELN is on the minus strand). VCF-style: chr7-103496753-A-G. GRCh37 (hg19) VCF-style: chr7-103137200-A-G.
Other names: c.8966T>C, p.Leu2989Ser (NM_173054.3); c.8966T>C (NM_005045.3); short protein forms L2989S.
Identifiers: ClinVar variation 1474234 (VCV001474234.9), dbSNP rs2117021480, ClinGen allele CA368751951.

ClinVar aggregate classification (germline): Uncertain significance. Review status: criteria provided, multiple submitters, no conflicts (2 of 4 stars). 2 submissions from 2 submitters: Uncertain significance (2). Last evaluated 2026-04-19.

Conditions:
Norman-Roberts syndrome (LIS2). Also called: Lissencephaly 2 (Norman-Roberts type). Identifiers: Orphanet 89844, MedGen C0796089, MONDO:0009760, OMIM 257320.
Familial temporal lobe epilepsy 7. Identifiers: Orphanet 101046, MedGen C4225327, MONDO:0014639, OMIM 616436.

Submissions (2):

GeneDx
Classification: Uncertain significance. Last evaluated: 2026-04-19. Review status: criteria provided, single submitter. Criteria: GeneDx Variant Classification Process June 2021. Collection method: clinical testing. Allele origin: germline.
Comment: Not observed at significant frequency in large population cohorts (gnomAD); In silico analysis suggests that this missense variant does not alter protein structure/function; Has not been previously published as pathogenic or benign to our knowledge

Labcorp Genetics (formerly Invitae), Labcorp
Classification: Uncertain significance for Familial temporal lobe epilepsy 7; Norman-Roberts syndrome. Last evaluated: 2022-03-19. Review status: criteria provided, single submitter. Criteria: Invitae Variant Classification Sherloc (09022015). Collection method: clinical testing. Allele origin: germline.
Comment: This sequence change replaces leucine, which is neutral and non-polar, with serine, which is neutral and polar, at codon 2989 of the RELN protein (p.Leu2989Ser). In summary, the available evidence is currently insufficient to determine the role of this variant in disease. Therefore, it has been classified as a Variant of Uncertain Significance. This variant is not present in population databases (gnomAD no frequency). This variant has not been reported in the literature in individuals affected with RELN-related conditions. Algorithms developed to predict the effect of missense changes on protein structure and function are either unavailable or do not agree on the potential impact of this missense change (SIFT: "Deleterious"; PolyPhen-2: "Benign"; Align-GVGD: "Class C0").